The following is an entry in ClinVar:

ClinVar aggregate classification (germline): Likely benign. Review status: criteria provided, multiple submitters, no conflicts (2 of 4 stars). 3 submissions from 3 submitters: Likely benign (3). Last evaluated 2024-03-17.

Conditions:
Bartter disease type 4A. Also called: BARTTER SYNDROME, NEONATAL, WITH SENSORINEURAL DEAFNESS; BARTTER SYNDROME, TYPE 4A, NEONATAL, WITH SENSORINEURAL DEAFNESS. Identifiers: Orphanet 112, MedGen C1865270, MONDO:0011242, OMIM 602522.

gnomAD v4.1: 5 of 1,614,128 alleles (0.00031%); highest among the groups gnomAD compares: East Asian, 0.0089%; no homozygotes.

Submissions (3):

Labcorp Genetics (formerly Invitae), Labcorp
Classification: Likely benign. Last evaluated: 2024-03-17. Review status: criteria provided, single submitter. Criteria: Invitae Variant Classification Sherloc (09022015). Collection method: clinical testing. Allele origin: germline.

Fulgent Genetics
Classification: Likely benign for Bartter disease type 4A. Last evaluated: 2022-01-12. Review status: criteria provided, single submitter. Criteria: ACMG Guidelines, 2015. Collection method: clinical testing. Allele origin: unknown.

Laboratory for Molecular Medicine, Mass General Brigham Personalized Medicine
Classification: Likely benign. Last evaluated: 2017-05-25. Review status: criteria provided, single submitter. Criteria: LMM Criteria. Collection method: clinical testing. Allele origin: germline. Observed: 1 variant allele.
Comment: p.Tyr270Tyr in exon 4 of BSND: This variant is not expected to have clinical sig nificance because it does not alter an amino acid residue and is not located wit hin the splice consensus sequence. It has been identified in 1/17236 East Asian chromosomes by the Genome Aggregation Database (gnomAD).

NM_057176.3(BSND):c.810C>T (p.Tyr270=)

Gene: BSND (barttin CLCNK type accessory subunit beta; plus strand). Cytogenetic location: 1p32.3.
Variant type: single nucleotide variant.
Coding change: c.810C>T on transcript NM_057176.3 (MANE Select); coding-DNA position 810, C replaced by T.
Protein change: p.Tyr270=; no amino-acid change (tyrosine 270 retained).
Molecular consequence: synonymous variant.
Genome position (GRCh38, 1-based): chr1:55,008,475, C>T. VCF-style: chr1-55008475-C-T. GRCh37 (hg19) VCF-style: chr1-55474148-C-T.
Identifiers: ClinVar variation 505827 (VCV000505827.14), dbSNP rs1451582678, ClinGen allele CA418181070.